The following is an entry in ClinVar:

NM_000551.4(VHL):c.340+599T>A

Genes: VHL (von Hippel-Lindau tumor suppressor; plus strand), LOC107303340 (3p25 von Hippel-Lindau tumor suppressor, E3 ubiquitin protein ligase Alu-mediated recombination region; plus strand). Cytogenetic location: 3p25.3.
Variant type: single nucleotide variant.
Coding change: c.340+599T>A on transcript NM_000551.4 (MANE Select); 599 bases into the intron after coding-DNA position 340, T replaced by A.
Molecular consequence: intron variant. On other transcripts: missense variant (1), non-coding transcript variant (1).
Genome position (GRCh38, 1-based): chr3:10,142,786, T>A. VCF-style: chr3-10142786-T-A. GRCh37 (hg19) VCF-style: chr3-10184470-T-A.
Other names: c.364T>A, p.Phe122Ile (NM_001354723.2); c.340+599T>A (NM_198156.3); short protein forms F122I.
Identifiers: ClinVar variation 2947386 (VCV002947386.3), dbSNP rs2470159905, ClinGen allele CA2740090913.

ClinVar aggregate classification (germline): Uncertain significance (1 of 4 stars; one submission).

Conditions:
Von Hippel-Lindau syndrome (VHLS). Also called: von Hippel–Lindau syndrome; VHL syndrome; Von Hippel-Lindau. Identifiers: Orphanet 892, MedGen C0019562, MONDO:0008667, OMIM 193300. Disease mechanism: loss of function.
Chuvash polycythemia. Also called: POLYCYTHEMIA, VHL-DEPENDENT. Identifiers: Orphanet 238557, MedGen C1837915, MONDO:0009892, OMIM 263400.

Submission:

Labcorp Genetics (formerly Invitae), Labcorp
Classification: Uncertain significance for Von Hippel-Lindau syndrome; Chuvash polycythemia. Last evaluated: 2024-04-08. Review status: criteria provided, single submitter. Criteria: Invitae Variant Classification Sherloc (09022015). Collection method: clinical testing. Allele origin: germline.
Comment: This sequence change falls in intron 1 of the VHL gene. It is not expected to change the encoded amino acid sequence of the VHL protein. However, this sequence change falls within a cryptic exon in the VHL gene, known as exon E1’, which is naturally expressed at low levels in several human tissues (PMID: 29891534). This variant is not present in population databases (gnomAD no frequency). This variant has not been reported in the literature in individuals affected with VHL-related conditions. Algorithms developed to predict the effect of sequence changes on RNA splicing suggest that this variant is not likely to affect RNA splicing. In summary, the available evidence is currently insufficient to determine the role of this variant in disease. Therefore, it has been classified as a Variant of Uncertain Significance.

Literature cited by the submitters: PubMed 29891534.